The following is an entry in ClinVar:

NM_003611.3(OFD1):c.2758-1G>A

Gene: OFD1 (OFD1 centriole and centriolar satellite protein; plus strand). Cytogenetic location: Xp22.2.
Variant type: single nucleotide variant.
Coding change: c.2758-1G>A on transcript NM_003611.3 (MANE Select); the canonical splice acceptor site of the intron before coding-DNA position 2758, G replaced by A.
Molecular consequence: splice acceptor variant.
Genome position (GRCh38, 1-based): chrX:13,768,053, G>A. VCF-style: chrX-13768053-G-A. GRCh37 (hg19) VCF-style: chrX-13786172-G-A.
Other names: c.2338-1G>A (NM_001330210.2); c.2647-1G>A (NM_001440947.1); c.2638-1G>A (NM_001330209.2); c.2527-1G>A (NM_001440948.1).
Identifiers: ClinVar variation 4882452 (VCV004882452.2).

ClinVar aggregate classification (germline): Uncertain significance (1 of 4 stars; one submission).

Submission:

Dasa
Classification: Uncertain significance. Last evaluated: 2024-11-25. Review status: criteria provided, single submitter. Criteria: DASA Assertion Criteria. Collection method: clinical testing. Allele origin: germline.
Comment: NM_003611.3(OFD1):c.2758-1G>A affects a canonical splice site and is predicted to disrupt normal RNA splicing. This variant is absent from population databases. The currently available literature and clinical evidence are not sufficient to establish a definitive association between this variant and the reported condition. Therefore, this variant is classified as a variant of uncertain significance.